The following is an entry in ClinVar:

ClinVar aggregate classification (germline): Uncertain significance. Review status: criteria provided, single submitter (1 of 4 stars). 2 submissions from 2 submitters: Uncertain significance (1). 1 of the submissions does not count toward it. Last evaluated 2022-06-23.

Conditions:
Niemann-Pick disease, type C1. Also called: NIEMANN-PICK DISEASE, VARIANT TYPE C1; NEUROVISCERAL STORAGE DISEASE WITH VERTICAL SUPRANUCLEAR OPHTHALMOPLEGIA; NIEMANN-PICK DISEASE WITH CHOLESTEROL ESTERIFICATION BLOCK; NIEMANN-PICK DISEASE WITHOUT SPHINGOMYELINASE DEFICIENCY; NIEMANN-PICK DISEASE, CHRONIC NEURONOPATHIC FORM. Identifiers: Orphanet 646, MedGen C3179455, MONDO:0009757, OMIM 257220.

Submissions (2):

Labcorp Genetics (formerly Invitae), Labcorp
Classification: Uncertain significance for Niemann-Pick disease, type C1. Last evaluated: 2022-06-23. Review status: criteria provided, single submitter. Criteria: Invitae Variant Classification Sherloc (09022015). Collection method: clinical testing. Allele origin: germline.
Comment: This sequence change falls in intron 16 of the NPC1 gene. It does not directly change the encoded amino acid sequence of the NPC1 protein. It affects a nucleotide within the consensus splice site. In summary, the available evidence is currently insufficient to determine the role of this variant in disease. Therefore, it has been classified as a Variant of Uncertain Significance. Variants that disrupt the consensus splice site are a relatively common cause of aberrant splicing (PMID: 17576681, 9536098). Algorithms developed to predict the effect of sequence changes on RNA splicing suggest that this variant is not likely to affect RNA splicing. This variant has not been reported in the literature in individuals affected with NPC1-related conditions. This variant is not present in population databases (gnomAD no frequency).

Natera, Inc.
Classification: Uncertain significance for Niemann-Pick disease type C1. Last evaluated: 2025-03-14. Review status: no assertion criteria provided. Collection method: clinical testing. Allele origin: germline. Not counted in ClinVar's aggregate classification.

Literature cited by the submitters: PubMed 17576681 (cited by Labcorp Genetics (formerly Invitae), Labcorp); PubMed 9536098 (cited by Labcorp Genetics (formerly Invitae), Labcorp).

NM_000271.5(NPC1):c.2514+4T>G

Gene: NPC1 (NPC intracellular cholesterol transporter 1; minus strand). Cytogenetic location: 18q11.2.
Variant type: single nucleotide variant.
Coding change: c.2514+4T>G on transcript NM_000271.5 (MANE Select); 4 bases into the intron after coding-DNA position 2514, T replaced by G.
Molecular consequence: intron variant.
Genome position (GRCh38, 1-based): chr18:23,541,064, A>C on the plus strand (T>G on the coding strand, the complement: NPC1 is on the minus strand). VCF-style: chr18-23541064-A-C. GRCh37 (hg19) VCF-style: chr18-21121028-A-C.
Other names: c.2514+4T>G (NM_000271.4).
Identifiers: ClinVar variation 1899280 (VCV001899280.6), dbSNP rs2511220769, ClinGen allele CA2580095544.